The following is an entry in ClinVar:

NM_001127222.2(CACNA1A):c.4250+4G>A

Genes: CACNA1A (calcium voltage-gated channel subunit alpha1 A; minus strand), LOC126862864 (MED14-independent group 3 enhancer GRCh37_chr19:13371552-13372751; plus strand). Cytogenetic location: 19p13.13.
Variant type: single nucleotide variant.
Coding change: c.4250+4G>A on transcript NM_001127222.2 (MANE Select); 4 bases into the intron after coding-DNA position 4250, G replaced by A.
Molecular consequence: intron variant.
Genome position (GRCh38, 1-based): chr19:13,261,446, C>T on the plus strand (G>A on the coding strand, the complement: CACNA1A is on the minus strand). VCF-style: chr19-13261446-C-T. GRCh37 (hg19) VCF-style: chr19-13372260-C-T.
Other names: c.4253+4G>A (NM_001127221.2, NM_001174080.2); c.4262+4G>A (NM_000068.4, NM_023035.3).
Identifiers: ClinVar variation 2603838 (VCV002603838.2), dbSNP rs2512759115, ClinGen allele CA2582342943.

ClinVar aggregate classification (germline): Uncertain significance (1 of 4 stars; one submission).

Conditions:
Inborn genetic diseases. Identifiers: MedGen C0950123, MeSH D030342.

Submission:

Ambry Genetics
Classification: Uncertain significance for Inborn genetic diseases. Last evaluated: 2023-06-21. Review status: criteria provided, single submitter. Criteria: Ambry Variant Classification Scheme 2023. Collection method: clinical testing. Allele origin: germline.
Comment: The c.4253+4G>A intronic alteration consists of a G to A substitution 4 nucleotides after exon 26 (coding exon 26) in the CACNA1A gene. Based on insufficient or conflicting evidence, the clinical significance of this alteration remains unclear.